The following is an entry in ClinVar:

ClinVar aggregate classification (germline): Uncertain significance (1 of 4 stars; one submission).

Conditions:
Myofibrillar myopathy 5. Also called: Filaminopathy (type); FILAMINOPATHY, AUTOSOMAL DOMINANT. Identifiers: Orphanet 171445, MedGen C1836050, MONDO:0012289, OMIM 609524.
Distal myopathy with posterior leg and anterior hand involvement. Also called: WILLIAMS DISTAL MYOPATHY. Identifiers: Orphanet 63273, MedGen C3279722, MONDO:0013550, OMIM 614065.
Hypertrophic cardiomyopathy 26. Also called: Cardiomyopathy, familial hypertrophic, 26. Identifiers: Orphanet 75249, MedGen C4310749, MONDO:0014883, OMIM 617047.

Allele frequency attached by ClinVar (database versions not stated): ExAC 0.00001; gnomAD exomes 0.00001; TOPMed 0.00001; ESP Exome Variant Server 0.00008.

Submission:

Labcorp Genetics (formerly Invitae), Labcorp
Classification: Uncertain significance for Distal myopathy with posterior leg and anterior hand involvement; Myofibrillar myopathy 5; Hypertrophic cardiomyopathy 26. Last evaluated: 2025-10-25. Review status: criteria provided, single submitter. Criteria: Invitae Variant Classification Sherloc (09022015). Collection method: clinical testing. Allele origin: germline.
Comment: This sequence change replaces arginine, which is basic and polar, with glutamine, which is neutral and polar, at codon 1474 of the FLNC protein (p.Arg1474Gln). This variant is present in population databases (rs376380652, gnomAD 0.003%). This missense change has been observed in individual(s) with hypertrophic cardiomyopathy (PMID: 37466024). ClinVar contains an entry for this variant (Variation ID: 843630). Invitae Evidence Modeling of protein sequence and biophysical properties (such as structural, functional, and spatial information, amino acid conservation, physicochemical variation, residue mobility, and thermodynamic stability) has been performed for this missense variant. However, the output from this modeling did not meet the statistical confidence thresholds required to predict the impact of this variant on FLNC protein function. In summary, the available evidence is currently insufficient to determine the role of this variant in disease. Therefore, it has been classified as a Variant of Uncertain Significance.

Literature cited by the submitters: PubMed 37466024.

NM_001458.5(FLNC):c.4421G>A (p.Arg1474Gln)

Gene: FLNC (filamin C; plus strand). Cytogenetic location: 7q32.1.
Variant type: single nucleotide variant.
Coding change: c.4421G>A on transcript NM_001458.5 (MANE Select); coding-DNA position 4421, G replaced by A.
Protein change: p.Arg1474Gln; replaces arginine 1474 with glutamine.
Molecular consequence: missense variant.
Genome position (GRCh38, 1-based): chr7:128,847,829, G>A. VCF-style: chr7-128847829-G-A. GRCh37 (hg19) VCF-style: chr7-128487883-G-A.
Other names: c.4421G>A, p.Arg1474Gln (NM_001127487.2); short protein forms R1474Q.
Identifiers: ClinVar variation 843630 (VCV000843630.10), dbSNP rs376380652, ClinGen allele CA4475328.
Genomic context (GRCh38, chr7:128,847,829, plus strand): 5'-GGGCTGGTGTCAGGGCCCGGGTTCCTCAGACCTTCACAGTGGATTGCAGTCAAGCTGGCC[G>A]GGCGCCCCTGCAGGTGGCTGTGCTGGGCCCCACAGGTATAGAATGGCCGGGGCAGGGAGG-3'
Protein context (NP_001449.3, residues 1464-1484): TFTVDCSQAG[Arg1474Gln]APLQVAVLGP